The following is an entry in ClinVar:

ClinVar aggregate classification (germline): Uncertain significance (1 of 4 stars; one submission).

Allele frequency attached by ClinVar (database versions not stated): gnomAD exomes below 0.00001 and 0.00004; gnomAD 0.00002; TOPMed 0.00002.
gnomAD v4.1: 56 of 1,581,182 alleles (0.0035%); highest among the groups gnomAD compares: Non-Finnish European, 0.0045%; no homozygotes.

Submission:

GeneDx
Classification: Uncertain significance. Last evaluated: 2019-05-06. Review status: criteria provided, single submitter. Criteria: GeneDx Variant Classification Process June 2021. Collection method: clinical testing. Allele origin: germline. Affected: yes.
Comment: Not observed at a significant frequency in large population cohorts (Lek et al., 2016); In silico analysis, which includes protein predictors and evolutionary conservation, supports a deleterious effect; Has not been previously published as pathogenic or benign to our knowledge; Variants in candidate genes are classified as variants of uncertain significance in accordance with ACMG guidelines (Richards et al., 2015)

NM_001206927.2(DNAH8):c.9197C>T (p.Ser3066Phe)

Gene: DNAH8 (dynein axonemal heavy chain 8; plus strand). Cytogenetic location: 6p21.2.
Variant type: single nucleotide variant.
Coding change: c.9197C>T on transcript NM_001206927.2 (MANE Select); coding-DNA position 9197, C replaced by T.
Protein change: p.Ser3066Phe; replaces serine 3066 with phenylalanine.
Molecular consequence: missense variant.
Genome position (GRCh38, 1-based): chr6:38,906,256, C>T. VCF-style: chr6-38906256-C-T. GRCh37 (hg19) VCF-style: chr6-38874032-C-T.
Other names: c.8546C>T, p.Ser2849Phe (NM_001371.4); short protein forms S2849F, S3066F.
Identifiers: ClinVar variation 1305424 (VCV001305424.2), dbSNP rs1463693356, ClinGen allele CA364001151.